The following is an entry in ClinVar:

ClinVar aggregate classification (germline): Conflicting classifications of pathogenicity. Review status: criteria provided, conflicting classifications (1 of 4 stars). 2 submissions from 2 submitters: Pathogenic (1); Uncertain significance (1). Last evaluated 2026-10-13.

Submissions (2):

GeneDx
Classification: Pathogenic. Last evaluated: 2026-10-13. Review status: criteria provided, single submitter. Criteria: GeneDx Variant Classification Process June 2021. Collection method: clinical testing. Allele origin: germline.
Comment: Not observed at significant frequency in large population cohorts (gnomAD); In silico analysis supports that this missense variant has a deleterious effect on protein structure/function; Has not been previously published as pathogenic or benign to our knowledge

Revvity Omics, Revvity
Classification: Uncertain significance. Last evaluated: 2021-01-22. Review status: criteria provided, single submitter. Criteria: ACMG Guidelines, 2015. Collection method: clinical testing. Allele origin: germline.

NM_014458.4(KLHL20):c.971G>A (p.Gly324Asp)

Gene: KLHL20 (kelch like family member 20; plus strand). Cytogenetic location: 1q25.1.
Variant type: single nucleotide variant.
Coding change: c.971G>A on transcript NM_014458.4 (MANE Select); coding-DNA position 971, G replaced by A.
Protein change: p.Gly324Asp; replaces glycine 324 with aspartic acid.
Molecular consequence: missense variant.
Genome position (GRCh38, 1-based): chr1:173,756,979, G>A. VCF-style: chr1-173756979-G-A. GRCh37 (hg19) VCF-style: chr1-173726118-G-A.
Other names: short protein forms G324D.
Identifiers: ClinVar variation 1723083 (VCV001723083.6), dbSNP rs2525470752, ClinGen allele CA343810282.